The following is an entry in ClinVar:

NM_000400.4(ERCC2):c.2190+129C>T

Gene: ERCC2 (ERCC excision repair 2, TFIIH core complex helicase subunit; minus strand). Cytogenetic location: 19q13.32.
Variant type: single nucleotide variant.
Coding change: c.2190+129C>T on transcript NM_000400.4 (MANE Select); 129 bases into the intron after coding-DNA position 2190, C replaced by T.
Molecular consequence: intron variant.
Genome position (GRCh38, 1-based): chr19:45,352,080, G>A on the plus strand (C>T on the coding strand, the complement: ERCC2 is on the minus strand). VCF-style: chr19-45352080-G-A. GRCh37 (hg19) VCF-style: chr19-45855338-G-A.
Identifiers: ClinVar variation 3341969 (VCV003341969.16).

ClinVar aggregate classification (germline): Likely benign (1 of 4 stars; one submission).

gnomAD v4.1: 101 of 1,138,028 alleles (0.0089%); highest among the groups gnomAD compares: Middle Eastern, 0.056%; no homozygotes.

Submission:

CeGaT Center for Human Genetics Tuebingen
Classification: Likely benign. Last evaluated: 2024-08-01. Review status: criteria provided, single submitter. Criteria: CeGaT Center For Human Genetics Tuebingen Variant Classification Criteria Version 2. Collection method: clinical testing. Allele origin: germline. Affected: yes. Observed: 2 variant alleles.
Comment: ERCC2: BP4, BP7